The following is an entry in ClinVar:

NM_004183.4(BEST1):c.26T>C (p.Val9Ala)

Gene: BEST1 (bestrophin 1; plus strand). Cytogenetic location: 11q12.3.
Variant type: single nucleotide variant.
Coding change: c.26T>C on transcript NM_004183.4 (MANE Select); coding-DNA position 26, T replaced by C.
Protein change: p.Val9Ala; replaces valine 9 with alanine.
Molecular consequence: missense variant. On other transcripts: non-coding transcript variant (1), intron variant (6).
Genome position (GRCh38, 1-based): chr11:61,951,832, T>C. VCF-style: chr11-61951832-T-C. GRCh37 (hg19) VCF-style: chr11-61719304-T-C.
Other names: c.26T>C, p.Val9Ala (NM_001363592.2, NM_001440571.1, NM_001440572.1 and 1 more transcripts); c.-29+1405T>C (NM_001139443.3, NM_001300787.2, NM_001440574.1 and 3 more transcripts); short protein forms V9A.
Identifiers: ClinVar variation 99700 (VCV000099700.3), dbSNP rs281865205, ClinGen allele CA227752.

ClinVar aggregate classification (germline): Pathogenic. Review status: criteria provided, single submitter (1 of 4 stars). 2 submissions from 2 submitters: Pathogenic (1). 1 of the submissions does not count toward it. Last evaluated 2025-07-01.

Submissions (2):

Labcorp Genetics (formerly Invitae), Labcorp
Classification: Pathogenic. Last evaluated: 2025-07-01. Review status: criteria provided, single submitter. Criteria: Invitae Variant Classification Sherloc (09022015). Collection method: clinical testing. Allele origin: germline.
Comment: This sequence change replaces valine, which is neutral and non-polar, with alanine, which is neutral and non-polar, at codon 9 of the BEST1 protein (p.Val9Ala). This variant is not present in population databases (gnomAD no frequency). This missense change has been observed in individuals with autosomal dominant BEST1-related conditions (PMID: 9662395, 20057903). ClinVar contains an entry for this variant (Variation ID: 99700). Invitae Evidence Modeling of protein sequence and biophysical properties (such as structural, functional, and spatial information, amino acid conservation, physicochemical variation, residue mobility, and thermodynamic stability) indicates that this missense variant is expected to disrupt BEST1 protein function with a positive predictive value of 95%. This variant disrupts the p.Val9 amino acid residue in BEST1. Other variant(s) that disrupt this residue have been determined to be pathogenic (PMID: 21269699; 21273940)). This suggests that this residue is clinically significant, and that variants that disrupt this residue are likely to be disease-causing. For these reasons, this variant has been classified as Pathogenic.

Retina International
No classification provided. Review status: no classification provided. Collection method: not provided. Allele origin: not provided. Not counted in ClinVar's aggregate classification.

Literature cited by the submitters: PubMed 9662395 (cited by Labcorp Genetics (formerly Invitae), Labcorp); PubMed 20057903 (cited by Labcorp Genetics (formerly Invitae), Labcorp); PubMed 21269699 (cited by Labcorp Genetics (formerly Invitae), Labcorp); PubMed 21273940 (cited by Labcorp Genetics (formerly Invitae), Labcorp).